The following is an entry in ClinVar:

ClinVar aggregate classification (germline): Pathogenic (1 of 4 stars; one submission).

Submission:

Labcorp Genetics (formerly Invitae), Labcorp
Classification: Pathogenic. Last evaluated: 2022-11-07. Review status: criteria provided, single submitter. Criteria: Invitae Variant Classification Sherloc (09022015). Collection method: clinical testing. Allele origin: unknown.
Comment: For these reasons, this variant has been classified as Pathogenic. This variant has not been reported in the literature in individuals affected with SMPX-related conditions. This variant is a gross deletion of the genomic region encompassing exon(s) 2 of the SMPX gene, which includes the initiator codon. This deletion extends beyond the assayed region for this gene and therefore may encompass additional genes. It is expected to result in an absent or disrupted protein product. Loss-of-function variants in SMPX are known to be pathogenic (PMID: 21549336, 21549342, 22911656).

Literature cited by the submitters: PubMed 21549336; PubMed 21549342; PubMed 22911656.

NC_000023.10:g.(?_21772344)_(21772408_?)del

Gene: SMPX (small muscle protein X-linked; minus strand). Cytogenetic location: Xp22.12.
Variant type: Deletion.
Identifiers: ClinVar variation 3246751 (VCV003246751.1).